The following is an entry in ClinVar:

NC_000015.9:g.(?_34526072)_(35087019_?)del

Genes: ACTC1 (actin alpha cardiac muscle 1; minus strand), GJD2 (gap junction protein delta 2; minus strand), GOLGA8A (golgin A8 family member A; minus strand), GOLGA8B (golgin A8 family member B; minus strand), LPCAT4 (lysophosphatidylcholine acyltransferase 4; minus strand) and 3 more. Cytogenetic location: 15q14.
Variant type: Deletion.
Identifiers: ClinVar variation 2427227 (VCV002427227.2).

ClinVar aggregate classification (germline): Pathogenic (1 of 4 stars; one submission).

Submission:

Labcorp Genetics (formerly Invitae), Labcorp
Classification: Pathogenic. Last evaluated: 2022-04-08. Review status: criteria provided, single submitter. Criteria: Invitae Variant Classification Sherloc (09022015). Collection method: clinical testing. Allele origin: germline.
Comment: A gross deletion of the genomic region encompassing the full coding sequence of the SLC12A6 gene has been identified. Loss-of-function variants in SLC12A6 are known to be pathogenic (PMID: 12368912, 16606917). The boundaries of this event are unknown as they extend beyond the assayed region for this gene and therefore may encompass additional genes. A similar copy number variant has been observed in individual(s) with autosomal recessive SLC12A6-related conditions (PMID: 26392352). For these reasons, this variant has been classified as Pathogenic.

Literature cited by the submitters: PubMed 12368912; PubMed 16606917; PubMed 26392352.